The following is an entry in ClinVar:

ClinVar aggregate classification (germline): Likely pathogenic. Review status: criteria provided, multiple submitters, no conflicts (2 of 4 stars). 2 submissions from 2 submitters: Likely pathogenic (2). Last evaluated 2025-11-23.

Conditions:
Deficiency of galactokinase. Also called: GALACTOSEMIA II; Galactokinase deficiency with cataracts. Identifiers: Orphanet 352, Orphanet 79237, MedGen C0268155, MONDO:0009255, OMIM 230200.

Submissions (2):

Natera, Inc.
Classification: Likely pathogenic for Deficiency of galactokinase. Last evaluated: 2025-11-23. Review status: criteria provided, single submitter. Criteria: Natera Variant Classification Schema (03/2026). Collection method: clinical testing. Allele origin: germline.
Comment: The c.847_860dupGGGGAGATTCGGCG variant in GALK1 is a frameshift variant predicted to shift the reading frame beginning at codon 288 and leads to a stop codon 13 codons downstream. This variant is expected to result in nonsense mediated decay, truncation, or a dysfunctional protein product. This variant is rare in the general population with a frequency below the threshold expected for the associated phenotype(s). Given the available evidence, this variant is classified as Likely Pathogenic.

Baylor Genetics
Classification: Likely pathogenic for Deficiency of galactokinase. Last evaluated: 2023-01-18. Review status: criteria provided, single submitter. Criteria: ACMG Guidelines, 2015. Collection method: clinical testing. Allele origin: unknown.

NM_000154.2(GALK1):c.847_860dup (p.Thr288fs)

Gene: GALK1 (galactokinase 1; minus strand). Cytogenetic location: 17q25.1.
Variant type: Duplication.
Coding change: c.847_860dup on transcript NM_000154.2 (MANE Select); coding-DNA positions 847 to 860, 14 bases duplicated (GGGGAGATTCGGCG).
Protein change: p.Thr288fs; shifts the reading frame from threonine 288.
Molecular consequence: frameshift variant.
Genome position (GRCh38, 1-based): chr17:75,758,533-75,758,546, CGCCGAATCTCCCC duplicated on the plus strand (GGGGAGATTCGGCG on the coding strand, the reverse complement: GALK1 is on the minus strand); duplicating any 14 consecutive bases within chr17:75,758,533-75,758,547 gives the same sequence; the c. name uses the placement nearest the transcript's 3' end. VCF-style (leftmost placement, unchanged base first): chr17-75758532-G-GCGCCGAATCTCCCC. GRCh37 (hg19) VCF-style: chr17-73754613-G-GCGCCGAATCTCCCC.
Other names: c.847_860dup, p.Thr288fs (NM_001381985.1); c.847_860dupGGGGAGATTCGGCG (NM_000154.1); short protein forms T288fs.
Identifiers: ClinVar variation 2675797 (VCV002675797.2), dbSNP rs2545900232, ClinGen allele CA2695200336.